The following is an entry in ClinVar:

ClinVar aggregate classification (germline): Likely benign. Review status: criteria provided, multiple submitters, no conflicts (2 of 4 stars). 2 submissions from 2 submitters: Likely benign (2). Last evaluated 2023-02-27.

Conditions:
Neuronal ceroid lipofuscinosis. Also called: Neuronal Ceroid Lipofuscinoses. Identifiers: Orphanet 216, Orphanet 79263, MedGen C0027877, MONDO:0016295. Disease mechanism: loss of function.

Submissions (2):

Labcorp Genetics (formerly Invitae), Labcorp
Classification: Likely benign for Neuronal ceroid lipofuscinosis. Last evaluated: 2023-02-27. Review status: criteria provided, single submitter. Criteria: Invitae Variant Classification Sherloc (09022015). Collection method: clinical testing. Allele origin: germline.

GeneDx
Classification: Likely benign. Last evaluated: 2017-10-06. Review status: criteria provided, single submitter. Criteria: GeneDx Variant Classification (06012015). Collection method: clinical testing. Allele origin: germline. Affected: yes.
Comment: This variant is considered likely benign or benign based on one or more of the following criteria: it is a conservative change, it occurs at a poorly conserved position in the protein, it is predicted to be benign by multiple in silico algorithms, and/or has population frequency not consistent with disease.

NM_017882.3(CLN6):c.354C>T (p.Ile118=)

Gene: CLN6 (CLN6 transmembrane ER protein; minus strand). Cytogenetic location: 15q23.
Variant type: single nucleotide variant.
Coding change: c.354C>T on transcript NM_017882.3 (MANE Select); coding-DNA position 354, C replaced by T.
Protein change: p.Ile118=; no amino-acid change (isoleucine 118 retained).
Molecular consequence: synonymous variant.
Genome position (GRCh38, 1-based): chr15:68,211,807, G>A on the plus strand (C>T on the coding strand, the complement: CLN6 is on the minus strand). VCF-style: chr15-68211807-G-A. GRCh37 (hg19) VCF-style: chr15-68504145-G-A.
Identifiers: ClinVar variation 512501 (VCV000512501.10), dbSNP rs1555438691, ClinGen allele CA490913010.
Genomic context (GRCh38, chr15:68,211,807, plus strand): 5'-GAGCAGGCGGTGGTTGACAGAGTCACCCACCAGGTGGATGCTGGCACCCATGATGAAGAT[G>A]ATGATGCTCACGTACGTGATGGAGCGTGGCAGGGTGCGGGGGGACCGCTCGATGAGCTGG-3'
Protein context (NP_060352.1, residues 108-128): LPRSITYVSI[Ile118=]IFIMGASIHL